The following is an entry in ClinVar:

ClinVar aggregate classification (germline): Uncertain significance. Review status: criteria provided, multiple submitters, no conflicts (2 of 4 stars). 2 submissions from 2 submitters: Uncertain significance (2). Last evaluated 2025-12-27.

Conditions:
Inborn genetic diseases. Identifiers: MedGen C0950123, MeSH D030342.
Mendelian susceptibility to mycobacterial diseases due to complete IL12RB1 deficiency. Also called: IL12RB1 DEFICIENCY; Immunodeficiency 30. Identifiers: Orphanet 319552, MedGen C4013949, MONDO:0013955, OMIM 614891.

Allele frequency attached by ClinVar (database versions not stated): gnomAD exomes 0.00005 and 0.00009; TOPMed 0.00006; gnomAD 0.00007; ExAC 0.00012.
gnomAD v4.1: 86 of 1,609,948 alleles (0.0053%); highest among the groups gnomAD compares: Admixed American, 0.023%; no homozygotes.

Submissions (2):

Labcorp Genetics (formerly Invitae), Labcorp
Classification: Uncertain significance for Mendelian susceptibility to mycobacterial diseases due to complete IL12RB1 deficiency. Last evaluated: 2025-12-27. Review status: criteria provided, single submitter. Criteria: Invitae Variant Classification Sherloc (09022015). Collection method: clinical testing. Allele origin: germline.
Comment: This sequence change replaces glycine, which is neutral and non-polar, with serine, which is neutral and polar, at codon 21 of the IL12RB1 protein (p.Gly21Ser). This variant is present in population databases (rs758204377, gnomAD 0.03%). This variant has not been reported in the literature in individuals affected with IL12RB1-related conditions. ClinVar contains an entry for this variant (Variation ID: 1428532). An algorithm developed to predict the effect of missense changes on protein structure and function outputs the following: PolyPhen-2: "Benign". The serine amino acid residue is found in multiple mammalian species, which suggests that this missense change does not adversely affect protein function. In summary, the available evidence is currently insufficient to determine the role of this variant in disease. Therefore, it has been classified as a Variant of Uncertain Significance.

Ambry Genetics
Classification: Uncertain significance for Inborn genetic diseases. Last evaluated: 2024-01-30. Review status: criteria provided, single submitter. Criteria: Ambry Variant Classification Scheme 2023. Collection method: clinical testing. Allele origin: germline.

NM_005535.3(IL12RB1):c.61G>A (p.Gly21Ser)

Gene: IL12RB1 (interleukin 12 receptor subunit beta 1; minus strand). Cytogenetic location: 19p13.11.
Variant type: single nucleotide variant.
Coding change: c.61G>A on transcript NM_005535.3 (MANE Select); coding-DNA position 61, G replaced by A.
Protein change: p.Gly21Ser; replaces glycine 21 with serine.
Molecular consequence: missense variant.
Genome position (GRCh38, 1-based): chr19:18,086,763, C>T on the plus strand (G>A on the coding strand, the complement: IL12RB1 is on the minus strand). VCF-style: chr19-18086763-C-T. GRCh37 (hg19) VCF-style: chr19-18197573-C-T.
Other names: c.61G>A, p.Gly21Ser (NM_001290023.2, NM_153701.3); c.181G>A, p.Gly61Ser (NM_001290024.2); short protein forms G61S, G21S.
Identifiers: ClinVar variation 1428532 (VCV001428532.7), dbSNP rs758204377, ClinGen allele CA9305390.
Genomic context (GRCh38, chr19:18,086,763, plus strand): 5'-CATACACGTGCCTCCACCCAGCAAGAGGAGCCGCCATGCCAGGGTCAGGGGACTCACCGC[C>T]CTGCCTGGACAGCAGGAAGAGGAAGAGGAGGGGGACCACCCAGGTCACCAGCGGCTCCAT-3'
Protein context (NP_005526.1, residues 11-31): LLFLFLLSRQ[Gly21Ser]AACRTSECCF